The following is an entry in ClinVar:

ClinVar aggregate classification (germline): Uncertain significance (1 of 4 stars; one submission).

Submissions (2):

Eurofins Ntd Llc (ga)
Classification: Uncertain significance. Last evaluated: 2017-11-09. Review status: criteria provided, single submitter. Criteria: EGL Classification Definitions 2015. Collection method: clinical testing. Allele origin: germline. Observed: 1 variant allele, 1 heterozygote.

Gilbert/Spinner Lab, Children's Hospital of Philadelphia
No classification provided (evidence only). Condition: Alagille syndrome. Review status: no classification provided. Collection method: research. Allele origin: not applicable. Functional consequence: functionally_abnormal. Not counted in ClinVar's aggregate classification.
ClinVar note: "not provided" was previously submitted as the classification for the variant. However, the classification appeared to be based only on an observation of functional data so it was converted to no classification on 2025-07-30.

NM_000214.3(JAG1):c.813C>G (p.Cys271Trp)

Gene: JAG1 (jagged canonical Notch ligand 1; minus strand). Cytogenetic location: 20p12.2.
Variant type: single nucleotide variant.
Coding change: c.813C>G on transcript NM_000214.3 (MANE Select); coding-DNA position 813, C replaced by G.
Protein change: p.Cys271Trp; replaces cysteine 271 with tryptophan.
Molecular consequence: missense variant.
Genome position (GRCh38, 1-based): chr20:10,652,541, G>C on the plus strand (C>G on the coding strand, the complement: JAG1 is on the minus strand). VCF-style: chr20-10652541-G-C. GRCh37 (hg19) VCF-style: chr20-10633189-G-C.
Other names: c.813C>G, p.Cys271Trp (LRG_1191t1); short protein forms C271W.
Identifiers: ClinVar variation 594925 (VCV000594925.7), dbSNP rs766245856, ClinGen allele CA408239359.